The following is an entry in ClinVar:

NM_000219.6(KCNE1):c.373A>C (p.Thr125Pro)

Gene: KCNE1 (potassium voltage-gated channel subfamily E regulatory subunit 1; minus strand). Cytogenetic location: 21q22.12.
Variant type: single nucleotide variant.
Coding change: c.373A>C on transcript NM_000219.6 (MANE Select); coding-DNA position 373, A replaced by C.
Protein change: p.Thr125Pro; replaces threonine 125 with proline.
Molecular consequence: missense variant.
Genome position (GRCh38, 1-based): chr21:34,449,262, T>G on the plus strand (A>C on the coding strand, the complement: KCNE1 is on the minus strand). VCF-style: chr21-34449262-T-G. GRCh37 (hg19) VCF-style: chr21-35821560-T-G.
Other names: c.373A>C, p.Thr125Pro (NM_001127668.4, NM_001127669.4, NM_001127670.4 and 4 more transcripts); short protein forms T125P.
Identifiers: ClinVar variation 3373849 (VCV003373849.2).

Conditions:
Long QT syndrome 5 (LQT5). Identifiers: Orphanet 101016, Orphanet 768, MedGen C1867904, MONDO:0013372, OMIM 613695.

Submission:

Roden Lab, Vanderbilt University Medical Center
No classification provided (evidence only). Condition: Long QT syndrome 5. Review status: no classification provided. Collection method: in vitro. Allele origin: not applicable. Functional consequence: Effect on ion channel function.
ClinVar note: "not provided" was previously submitted as the classification for the variant. However, the classification appeared to be based only on an observation of functional data so it was converted to no classification on 2025-07-30.